The following is an entry in ClinVar:

NM_001278716.2(FBXL4):c.396A>G (p.Glu132=)

Gene: FBXL4 (F-box and leucine rich repeat protein 4; minus strand). Cytogenetic location: 6q16.2.
Variant type: single nucleotide variant.
Coding change: c.396A>G on transcript NM_001278716.2 (MANE Select); coding-DNA position 396, A replaced by G.
Protein change: p.Glu132=; no amino-acid change (glutamic acid 132 retained).
Molecular consequence: synonymous variant. On other transcripts: non-coding transcript variant (2).
Genome position (GRCh38, 1-based): chr6:98,926,593, T>C on the plus strand (A>G on the coding strand, the complement: FBXL4 is on the minus strand). VCF-style: chr6-98926593-T-C. GRCh37 (hg19) VCF-style: chr6-99374469-T-C.
Other names: c.396A>G, p.Glu132= (NM_012160.5).
Identifiers: ClinVar variation 437569 (VCV000437569.1), dbSNP rs775962308, ClinGen allele CA3933698.

ClinVar aggregate classification (germline): Uncertain significance (1 of 4 stars; one submission).

Conditions:
Mitochondrial DNA depletion syndrome 13. Also called: FBXL4-Related Encephalomyopathic Mitochondrial DNA Depletion Syndrome; Mitochondrial DNA depletion syndrome 13 (encephalomyopathic type). Identifiers: Orphanet 369897, MedGen C3809592, MONDO:0014198, OMIM 615471.

Allele frequency attached by ClinVar (database versions not stated): gnomAD exomes below 0.00001 and 0.00001; ExAC 0.00001.
gnomAD v4.1: 10 of 1,614,062 alleles (0.00062%); highest among the groups gnomAD compares: African/African-American, 0.0027%; no homozygotes.

Submission:

Wong Mito Lab, Molecular and Human Genetics, Baylor College of Medicine
Classification: Uncertain significance for Mitochondrial DNA depletion syndrome 13. Last evaluated: 2017-08-10. Review status: criteria provided, single submitter. Criteria: ACMG Guidelines, 2015. Collection method: reference population. Allele origin: germline.
Comment: The NM_012160.4:c.396A>G (NP_036292.2:p.Glu132=) [GRCH38: NC_000006.12:g.98926593T>C] variant in FBXL4 gene is interpretated to be a Uncertain Significance - Conflicting Evidence based on ACMG guidelines (PMID: 25741868). This variant meets one or more of the following evidence codes reported in the ACMG-guideline. PM2:This variant is absent in key population databases. BP4:Computational evidence/predictors indicate no impact on the FBXL4 structure, function, or protein-protein interaction. BP7:The variant is silent with non predicted splice impact. Based on this evidence code ClinGen Pathogenicity Calculator (PMID:28081714) suggested that the variant is Uncertain Significance - Conflicting Evidence.